The following is an entry in ClinVar:

ClinVar aggregate classification (germline): Uncertain significance. Review status: criteria provided, multiple submitters, no conflicts (2 of 4 stars). 2 submissions from 2 submitters: Uncertain significance (2). Last evaluated 2025-09-05.

Allele frequency attached by ClinVar (database versions not stated): TOPMed below 0.00001.

Submissions (2):

Ambry Genetics
Classification: Uncertain significance. Last evaluated: 2025-09-05. Review status: criteria provided, single submitter. Criteria: Ambry Variant Classification Scheme 2023. Collection method: clinical testing. Allele origin: germline.

GeneDx
Classification: Uncertain significance. Last evaluated: 2023-03-23. Review status: criteria provided, single submitter. Criteria: GeneDx Variant Classification Process June 2021. Collection method: clinical testing. Allele origin: germline. Affected: yes.
Comment: Not observed at significant frequency in large population cohorts (gnomAD); In silico analysis supports that this missense variant does not alter protein structure/function; Has not been previously published as pathogenic or benign to our knowledge

NM_001330700.2(TOP2B):c.4842T>A (p.Asp1614Glu)

Genes: RARB (retinoic acid receptor beta; plus strand), TOP2B (DNA topoisomerase II beta; minus strand). Cytogenetic location: 3p24.2.
Variant type: single nucleotide variant.
Coding change: c.4842T>A on transcript NM_001330700.2 (MANE Select); coding-DNA position 4842, T replaced by A.
Protein change: p.Asp1614Glu; replaces aspartic acid 1614 with glutamic acid.
Molecular consequence: missense variant.
Genome position (GRCh38, 1-based): chr3:25,598,346, A>T on the plus strand (T>A on the coding strand, the complement: TOP2B is on the minus strand). VCF-style: chr3-25598346-A-T. GRCh37 (hg19) VCF-style: chr3-25639837-A-T.
Other names: c.4827T>A, p.Asp1609Glu (NM_001068.3); c.4827T>A (NM_001068.2); short protein forms D1609E, D1614E.
Identifiers: ClinVar variation 2446554 (VCV002446554.2), dbSNP rs111812268, ClinGen allele CA71613972.